The following is an entry in ClinVar:

NM_007055.4(POLR3A):c.1369G>A (p.Gly457Arg)

Gene: POLR3A (RNA polymerase III subunit A; minus strand). Cytogenetic location: 10q22.3.
Variant type: single nucleotide variant.
Coding change: c.1369G>A on transcript NM_007055.4 (MANE Select); coding-DNA position 1369, G replaced by A.
Protein change: p.Gly457Arg; replaces glycine 457 with arginine.
Molecular consequence: missense variant.
Genome position (GRCh38, 1-based): chr10:78,017,637, C>T on the plus strand (G>A on the coding strand, the complement: POLR3A is on the minus strand). VCF-style: chr10-78017637-C-T. GRCh37 (hg19) VCF-style: chr10-79777395-C-T.
Other names: NM_007055.4(POLR3A):c.1369G>A; p.Gly457Arg; short protein forms G457R.
Identifiers: ClinVar variation 301074 (VCV000301074.8), dbSNP rs768880752, ClinGen allele CA10629161.
Genomic context (GRCh38, chr10:78,017,637, plus strand): 5'-GATGAGCCATAATGCTCAATTTGTGCAGCGAGGGCTGCCGATTGAACAGCACCACATCTC[C>T]ATCGATGAGGTGTCTCTCTACGATGTCACCATACTTGAGCTCTTGAGCCATCTTTTCTCG-3'
Protein context (NP_008986.2, residues 447-467): GDIVERHLID[Gly457Arg]DVVLFNRQPS

ClinVar aggregate classification (germline): Conflicting classifications of pathogenicity. Review status: criteria provided, conflicting classifications (1 of 4 stars). 3 submissions from 3 submitters: Likely pathogenic (1); Uncertain significance (2). Last evaluated 2024-01-24.

Conditions:
Leukodystrophy, hypomyelinating, 7, with or without oligodontia and/or hypogonadotropic hypogonadism (HLD7). Also called: LEUKOENCEPHALOPATHY, HYPOMYELINATING, WITH ATAXIA AND DELAYED DENTITION; ATAXIA, DELAYED DENTITION, AND HYPOMYELINATION; LEUKODYSTROPHY, HYPOMYELINATING, 7, WITH OLIGODONTIA; LEUKODYSTROPHY, HYPOMYELINATING, 7, WITH OLIGODONTIA AND HYPOGONADOTROPIC HYPOGONADISM; LEUKODYSTROPHY, HYPOMYELINATING, 7, WITHOUT OLIGODONTIA OR HYPOGONADOTROPIC HYPOGONADISM; Ataxia, Delayed Dentition and Hypomyelination (ADDH). Identifiers: Orphanet 137639, Orphanet 447893, Orphanet 447896, Orphanet 77295, Orphanet 88637, MedGen CN034185, MONDO:0011897, OMIM 607694.

Allele frequency attached by ClinVar (database versions not stated): gnomAD exomes below 0.00001 and 0.00001; TOPMed below 0.00001; gnomAD 0.00001.
gnomAD v4.1: 9 of 1,613,300 alleles (0.00056%); highest among the groups gnomAD compares: African/African-American, 0.0013%; no homozygotes.

Submissions (3):

Broad Center for Mendelian Genomics, Broad Institute of MIT and Harvard
Classification: Uncertain significance for Leukodystrophy, hypomyelinating, 7, with or without oligodontia and/or hypogonadotropic hypogonadism. Last evaluated: 2024-01-24. Review status: criteria provided, single submitter. Criteria: ACMG Guidelines, 2015. Collection method: curation. Allele origin: germline. Inheritance: Autosomal recessive inheritance.
Comment: The p.Gly457Arg variant in POLR3A has been reported in 1 individual, in the compound heterozygous state, with POLR3A-related disorders (PMID: 30838315) and has been identified in 0.0009% (1/113710) of European (non-Finnish) chromosomes by the Genome Aggregation Database (gnomAD; dbSNP ID: rs768880752). Although this variant has been seen in the general population in a heterozygous state, its frequency is low enough to be consistent with a recessive carrier frequency. This variant has also been reported in ClinVar (Variation ID#: 301074) and has been interpreted as a variant of uncertain significance by Illumina Laboratory Services (Illumina). Computational prediction tools and conservation analyses do not provide strong support for or against an impact to the protein. In summary, the clinical significance of the p.Gly457Arg variant is uncertain. ACMG/AMP Criteria applied: PM2_supporting (Richards 2015).

Molecular Diagnostics Lab, Nemours Children's Health, Delaware
Classification: Likely pathogenic for Leukodystrophy, hypomyelinating, 7, with or without oligodontia and/or hypogonadotropic hypogonadism. Last evaluated: 2020-12-20. Review status: criteria provided, single submitter. Criteria: ACMG Guidelines, 2015. Collection method: clinical testing. Allele origin: maternal, paternal, unknown. Inheritance: Autosomal recessive inheritance. Affected: yes and no. Observed: 1 heterozygote, 2 compound heterozygotes. Clinical features observed: Ataxia (HP:0001251).
Comment: This missense variant (c.1369G>A, p.Gly457Arg) has been observed at extremely low frequency in population databases (gnomAD) and has not been reported in the literature. Variant prediction programs suggest a deleterious effect, but no functional studies have been published.

Illumina Laboratory Services, Illumina
Classification: Uncertain significance for Leukodystrophy, hypomyelinating, 7, with or without oligodontia and/or hypogonadotropic hypogonadism. Last evaluated: 2018-01-13. Review status: criteria provided, single submitter. Criteria: ICSL Variant Classification Criteria 13 December 2019. Collection method: clinical testing. Allele origin: germline.